The following is an entry in ClinVar:

NM_001243177.4(ALDOA):c.934C>T (p.Arg312Cys)

Genes: ALDOA (aldolase, fructose-bisphosphate A; plus strand), LOC112694756 (uncharaterized LOC112694756; plus strand). Cytogenetic location: 16p11.2.
Variant type: single nucleotide variant.
Coding change: c.934C>T on transcript NM_001243177.4 (MANE Select); coding-DNA position 934, C replaced by T.
Protein change: p.Arg312Cys; replaces arginine 312 with cysteine.
Molecular consequence: missense variant. On other transcripts: 3 prime UTR variant (3).
Genome position (GRCh38, 1-based): chr16:30,069,646, C>T. VCF-style: chr16-30069646-C-T. GRCh37 (hg19) VCF-style: chr16-30080967-C-T.
Other names: c.772C>T, p.Arg258Cys (NM_001127617.2, NM_184041.5, NM_184043.2); c.*1281C>T (NM_001365304.2, NM_001365305.2, NM_001365307.2); c.772C>T (NM_184041.4); short protein forms R312C, R258C.
Identifiers: ClinVar variation 2139483 (VCV002139483.2), dbSNP rs752431778, ClinGen allele CA8001122.

ClinVar aggregate classification (germline): Uncertain significance. Review status: criteria provided, multiple submitters, no conflicts (2 of 4 stars). 2 submissions from 2 submitters: Uncertain significance (2). Last evaluated 2024-10-07.

Conditions:
HNSHA due to aldolase A deficiency (GSD12). Also called: GLYCOGEN STORAGE DISEASE XII; GSD XII; RED CELL ALDOLASE DEFICIENCY; Glycogen storage disease due to aldolase A deficiency. Identifiers: Orphanet 57, MedGen C0272066, MONDO:0012747, OMIM 611881.

Allele frequency attached by ClinVar (database versions not stated): gnomAD 0.00001; gnomAD exomes 0.00003; TOPMed 0.00003; ExAC 0.00006; 1000 Genomes Project 30x 0.00016.
gnomAD v4.1: 50 of 1,613,754 alleles (0.0031%); highest among the groups gnomAD compares: Admixed American, 0.005%; no homozygotes.

Submissions (2):

Revvity Omics, Revvity
Classification: Uncertain significance for HNSHA due to aldolase A deficiency. Last evaluated: 2024-10-07. Review status: criteria provided, single submitter. Criteria: ACMG Guidelines, 2015. Collection method: clinical testing. Allele origin: germline.

Labcorp Genetics (formerly Invitae), Labcorp
Classification: Uncertain significance for HNSHA due to aldolase A deficiency. Last evaluated: 2022-07-05. Review status: criteria provided, single submitter. Criteria: Invitae Variant Classification Sherloc (09022015). Collection method: clinical testing. Allele origin: germline.
Comment: This sequence change replaces arginine, which is basic and polar, with cysteine, which is neutral and slightly polar, at codon 258 of the ALDOA protein (p.Arg258Cys). This variant is present in population databases (rs752431778, gnomAD 0.006%). This variant has not been reported in the literature in individuals affected with ALDOA-related conditions. Algorithms developed to predict the effect of missense changes on protein structure and function are either unavailable or do not agree on the potential impact of this missense change (SIFT: "Deleterious"; PolyPhen-2: "Benign"; Align-GVGD: "Class C45"). In summary, the available evidence is currently insufficient to determine the role of this variant in disease. Therefore, it has been classified as a Variant of Uncertain Significance.